The following is an entry in ClinVar:

NM_178468.6(SACK1C):c.863G>A (p.Arg288His)

Gene: SACK1C (scaffolding CK1 anchoring protein C; minus strand). Cytogenetic location: 20q11.22.
Variant type: single nucleotide variant.
Coding change: c.863G>A on transcript NM_178468.6 (MANE Select); coding-DNA position 863, G replaced by A.
Protein change: p.Arg288His; replaces arginine 288 with histidine.
Molecular consequence: missense variant.
Genome position (GRCh38, 1-based): chr20:35,287,916, C>T on the plus strand (G>A on the coding strand, the complement: SACK1C is on the minus strand). VCF-style: chr20-35287916-C-T. GRCh37 (hg19) VCF-style: chr20-33875719-C-T.
Other names: short protein forms R288H.
Identifiers: ClinVar variation 161837 (VCV000161837.2), dbSNP rs193920940, ClinGen allele CA174880.

ClinVar aggregate classification (germline): Uncertain significance (0 of 4 stars; one submission).

Conditions:
Prostate cancer. Also called: Malignant tumor of prostate. Identifiers: Orphanet 1331, MedGen C0376358, MONDO:0008315, HP:0012125.

Allele frequency attached by ClinVar (database versions not stated): TOPMed 0.00001; gnomAD 0.00004 and 0.00002; gnomAD exomes 0.00003; ExAC 0.00005; 1000 Genomes Project 0.00020; 1000 Genomes Project 30x 0.00031.
gnomAD v4.1: 40 of 1,556,172 alleles (0.0026%); highest among the groups gnomAD compares: East Asian, 0.031%; no homozygotes.

Submission:

Science for Life laboratory,  Karolinska Institutet
Classification: Uncertain significance for Malignant tumor of prostate. Review status: no assertion criteria provided. Collection method: not provided. Allele origin: somatic.
Comment: TumorID:SWE-2
ClinVar note: Converted during submission from Unknown to Uncertain significance.